The following is an entry in ClinVar:

NM_012424.6(RPS6KC1):c.768A>C (p.Glu256Asp)

Gene: RPS6KC1 (ribosomal protein S6 kinase C1; plus strand). Cytogenetic location: 1q32.3.
Variant type: single nucleotide variant.
Coding change: c.768A>C on transcript NM_012424.6 (MANE Select); coding-DNA position 768, A replaced by C.
Protein change: p.Glu256Asp; replaces glutamic acid 256 with aspartic acid.
Molecular consequence: missense variant. On other transcripts: 5 prime UTR variant (13), non-coding transcript variant (3), intron variant (5).
Genome position (GRCh38, 1-based): chr1:213,129,822, A>C. VCF-style: chr1-213129822-A-C. GRCh37 (hg19) VCF-style: chr1-213303165-A-C.
Other names: c.225A>C, p.Glu75Asp (NM_001287221.3, NM_001349648.2, NM_001349649.2 and 7 more transcripts); c.768A>C, p.Glu256Asp (NM_001349646.2); c.-520A>C (NM_001349659.2); c.-440A>C (NM_001349660.2, NM_001349661.2, NM_001349662.2); c.-354A>C (NM_001349664.2, NM_001349670.2); c.-447A>C (NM_001349666.2, NM_001349667.2, NM_001349668.2 and 4 more transcripts); c.-57+12412A>C (NM_001349658.2); c.472+12412A>C (NM_001349647.2); and 4 more; short protein forms E244D, E256D, E75D.
Identifiers: ClinVar variation 1626969 (VCV001626969.30), dbSNP rs150727119, ClinGen allele CA1387251.

ClinVar aggregate classification (germline): Likely benign. Review status: criteria provided, multiple submitters, no conflicts (2 of 4 stars). 2 submissions from 2 submitters: Likely benign (2). Last evaluated 2026-01-27.

Allele frequency attached by ClinVar (database versions not stated): 1000 Genomes Project 30x 0.00062; 1000 Genomes Project 0.00080.
gnomAD v4.1: 557 of 1,613,236 alleles (0.035%); highest among the groups gnomAD compares: Admixed American, 0.19%; 1 homozygote.

Submissions (2):

Labcorp Genetics (formerly Invitae), Labcorp
Classification: Likely benign. Last evaluated: 2026-01-27. Review status: criteria provided, single submitter. Criteria: Invitae Variant Classification Sherloc (09022015). Collection method: clinical testing. Allele origin: germline.

CeGaT Center for Human Genetics Tuebingen
Classification: Likely benign. Last evaluated: 2023-12-01. Review status: criteria provided, single submitter. Criteria: CeGaT Center For Human Genetics Tuebingen Variant Classification Criteria Version 2. Collection method: clinical testing. Allele origin: germline. Affected: yes. Observed: 1 variant allele.
Comment: RPS6KC1: BP4